The following is an entry in ClinVar:

GRCh37/hg19 16p13.3(chr16:106989-293949)x1

Genes: HBZ (hemoglobin subunit zeta; plus strand), LUC7L (LUC7 like; minus strand), MPG (N-methylpurine DNA glycosylase; plus strand), HBQ1 (hemoglobin subunit theta 1; plus strand), HBM (hemoglobin subunit mu; plus strand) and 6 more. Cytogenetic location: 16p13.3.
Variant type: copy number loss.
Change: copy number 1 (one copy instead of two) of chr16:106,989-293,949 (187.0 kb, GRCh37 coordinates, 1-based), cytogenetic band 16p13.3.
Identifiers: ClinVar variation 1808170 (VCV001808170.2).

ClinVar aggregate classification (germline): Pathogenic (1 of 4 stars; one submission).

Submission:

Quest Diagnostics Nichols Institute San Juan Capistrano
Classification: Pathogenic. Last evaluated: 2026-06-05. Review status: criteria provided, single submitter. Criteria: ACMG/ClinGen CNV Guidelines, 2019. Collection method: clinical testing. Allele origin: unknown.
Comment: This copy number loss involves at least 14 protein-coding genes including NPRL3 (OMIM 600928), HBA1 (OMIM 141800), and HBA2 (OMIM 141850). Haploinsufficiency of NPRL3 has been associated with autosomal dominant focal epilepsy with variable foci (OMIM 617118, CCID:007569; Duan 2022, Krenn 2020, Vawter-Lee 2019). Of note, there are several instances of NPRL3 variants reported in unaffected family members, suggesting reduced penetrance. Larger copy number losses in this region have been associated with autosomal dominant chromosome 16-related alpha-thalassemia/intellectual disability syndrome (ATR-16; OMIM 141750; Bezerra 2008, Gibbons 2012). Thus, based on current medical literature this copy number variant (CNV) is classified as pathogenic.

Literature cited by the submitters: PubMed 18492098; PubMed 35231114; PubMed 23028133; PubMed 32086284; PubMed 31733420.